The following is an entry in ClinVar:

ClinVar aggregate classification (germline): Likely pathogenic (1 of 4 stars; one submission).

Conditions:
Glycogen storage disease type III (GSD3). Also called: FORBES DISEASE; Cori disease. Identifiers: Orphanet 366, MedGen C0017922, MONDO:0009291, OMIM 232400.

Submission:

Myriad Genetics, Inc.
Classification: Likely pathogenic for Glycogen storage disease type III. Last evaluated: 2022-03-30. Review status: criteria provided, single submitter. Criteria: Myriad Women's Health Autosomal Recessive and X-Linked Classification Criteria (2021). Collection method: clinical testing. Allele origin: unknown.
Comment: NM_000642.2(AGL):c.3790G>T(G1264*) is expected to be pathogenic in the context of glycogen storage disease type III. This variant is predicted to lead to an abnormal or absent protein product due to the creation of a premature termination codon in AGL, a gene where loss-of-function variants are known to be pathogenic. Please note: this variant was assessed in the context of healthy population screening.

NM_000642.3(AGL):c.3790G>T (p.Gly1264Ter)

Gene: AGL (amylo-alpha-1,6-glucosidase and 4-alpha-glucanotransferase; plus strand). Cytogenetic location: 1p21.2.
Variant type: single nucleotide variant.
Coding change: c.3790G>T on transcript NM_000642.3 (MANE Select); coding-DNA position 3790, G replaced by T.
Protein change: p.Gly1264Ter; replaces glycine 1264 with a stop codon.
Molecular consequence: nonsense.
Genome position (GRCh38, 1-based): chr1:99,910,801, G>T. VCF-style: chr1-99910801-G-T. GRCh37 (hg19) VCF-style: chr1-100376357-G-T.
Other names: c.3790G>T, p.Gly1264Ter (NM_000028.3, NM_000643.3, NM_000644.3 and 1 more transcripts); c.3742G>T, p.Gly1248Ter (NM_000646.3); c.3769G>T, p.Gly1257Ter (NM_001425326.1); c.3589G>T, p.Gly1197Ter (NM_001425327.1); c.3586G>T, p.Gly1196Ter (NM_001425328.1); c.3451G>T, p.Gly1151Ter (NM_001425329.1); c.3412G>T, p.Gly1138Ter (NM_001425332.1); short protein forms G1248*, G1264*, G1138*, G1151*, G1196*, G1197*, G1257*.
Identifiers: ClinVar variation 1725666 (VCV001725666.2), dbSNP rs2523798798, ClinGen allele CA341337885.